The following is an entry in ClinVar:

NM_000268.4(NF2):c.1760C>A (p.Ser587Tyr)

Gene: NF2 (NF2, moesin-ezrin-radixin like (MERLIN) tumor suppressor; plus strand). Cytogenetic location: 22q12.2.
Variant type: single nucleotide variant.
Coding change: c.1760C>A on transcript NM_000268.4 (MANE Select); coding-DNA position 1760, C replaced by A.
Protein change: p.Ser587Tyr; replaces serine 587 with tyrosine.
Molecular consequence: missense variant. On other transcripts: 3 prime UTR variant (11), non-coding transcript variant (1).
Genome position (GRCh38, 1-based): chr22:29,694,774, C>A. VCF-style: chr22-29694774-C-A. GRCh37 (hg19) VCF-style: chr22-30090763-C-A.
Other names: c.1646C>A, p.Ser549Tyr (NM_001407053.1); c.1637C>A, p.Ser546Tyr (NM_001407054.1); c.1634C>A, p.Ser545Tyr (NM_001407055.1); c.*32C>A (NM_001407056.1, NM_001407059.1, NM_001407065.1 and 5 more transcripts); c.1625C>A, p.Ser542Tyr (NM_001407057.1); c.*47C>A (NM_001407058.1, NM_001407063.1, NM_181832.3); c.1597C>A, p.Pro533Thr (NM_001407060.1); c.1502C>A, p.Ser501Tyr (NM_001407062.1); and 2 more; short protein forms S587Y, P533T, S542Y, S501Y, S545Y, S546Y, S549Y, P450T.
Identifiers: ClinVar variation 5025718 (VCV005025718.1).
Genomic context (GRCh38, chr22:29,694,774, plus strand): 5'-TCTTGTGCCCTCTCAGCTTCTTCTCTGCTTTCTTACAGCTCACCTTGCAGAGCGCCAAGT[C>A]CCGAGTGGCCTTCTTTGAAGAGCTCTAGCAGGTGACCCAGCCACCCCAGGACCTGCCACT-3'
Protein context (NP_000259.1, residues 577-595): IKKLTLQSAK[Ser587Tyr]RVAFFEEL

ClinVar aggregate classification (germline): Uncertain significance (1 of 4 stars; one submission).

Conditions:
Hereditary cancer-predisposing syndrome. Also called: Neoplastic Syndromes, Hereditary; Tumor predisposition; Hereditary neoplastic syndrome; Hereditary Cancer Syndrome. Identifiers: Orphanet 140162, MedGen C0027672, MeSH D009386, MONDO:0015356.

Submission:

Ambry Genetics
Classification: Uncertain significance for Hereditary cancer-predisposing syndrome. Last evaluated: 2026-08-29. Review status: criteria provided, single submitter. Criteria: Ambry Variant Classification Scheme 2023. Collection method: clinical testing. Allele origin: germline.
Comment: The p.S587Y variant (also known as c.1760C>A), located in coding exon 16 of the NF2 gene, results from a C to A substitution at nucleotide position 1760. The serine at codon 587 is replaced by tyrosine, an amino acid with dissimilar properties. This amino acid position is conserved. In addition, the in silico prediction for this alteration is inconclusive. Based on the available evidence, the clinical significance of this variant remains unclear.